The following is an entry in ClinVar:

ClinVar aggregate classification (germline): Uncertain significance (1 of 4 stars; one submission).

Submission:

Labcorp Genetics (formerly Invitae), Labcorp
Classification: Uncertain significance. Last evaluated: 2022-08-05. Review status: criteria provided, single submitter. Criteria: Invitae Variant Classification Sherloc (09022015). Collection method: clinical testing. Allele origin: germline.
Comment: In summary, the available evidence is currently insufficient to determine the role of this variant in disease. Therefore, it has been classified as a Variant of Uncertain Significance. Variants that disrupt the consensus splice site are a relatively common cause of aberrant splicing (PMID: 17576681, 9536098). Algorithms developed to predict the effect of sequence changes on RNA splicing suggest that this variant is not likely to affect RNA splicing. This variant has not been reported in the literature in individuals affected with CAD-related conditions. This variant is not present in population databases (gnomAD no frequency). This sequence change falls in intron 29 of the CAD gene. It does not directly change the encoded amino acid sequence of the CAD protein. It affects a nucleotide within the consensus splice site.

Literature cited by the submitters: PubMed 17576681; PubMed 9536098.

NM_004341.5(CAD):c.4728+6G>T

Gene: CAD (carbamoyl-phosphate synthetase 2, aspartate transcarbamylase, and dihydroorotase; plus strand). Cytogenetic location: 2p23.3.
Variant type: single nucleotide variant.
Coding change: c.4728+6G>T on transcript NM_004341.5 (MANE Select); 6 bases into the intron after coding-DNA position 4728, G replaced by T.
Molecular consequence: intron variant.
Genome position (GRCh38, 1-based): chr2:27,237,888, G>T. VCF-style: chr2-27237888-G-T. GRCh37 (hg19) VCF-style: chr2-27460756-G-T.
Other names: c.4539+6G>T (NM_001306079.2).
Identifiers: ClinVar variation 2087608 (VCV002087608.4), dbSNP rs2465347431, ClinGen allele CA2576923167.